The following is an entry in ClinVar:

NM_173086.5(KRT6C):c.1441G>A (p.Val481Ile)

Gene: KRT6C (keratin 6C; minus strand). Cytogenetic location: 12q13.13.
Variant type: single nucleotide variant.
Coding change: c.1441G>A on transcript NM_173086.5 (MANE Select); coding-DNA position 1441, G replaced by A.
Protein change: p.Val481Ile; replaces valine 481 with isoleucine.
Molecular consequence: missense variant.
Genome position (GRCh38, 1-based): chr12:52,469,429, C>T on the plus strand (G>A on the coding strand, the complement: KRT6C is on the minus strand). VCF-style: chr12-52469429-C-T. GRCh37 (hg19) VCF-style: chr12-52863213-C-T.
Other names: c.1441G>A (NM_173086.4); short protein forms V481I.
Identifiers: ClinVar variation 1300092 (VCV001300092.13), dbSNP rs412533, ClinGen allele CA6581103.

ClinVar aggregate classification (germline): Benign. Review status: criteria provided, multiple submitters, no conflicts (2 of 4 stars). 4 submissions from 4 submitters: Benign (3). 1 of the submissions does not count toward it. Last evaluated 2026-02-02.

Conditions:
KRT6C-related disorder. Also called: KRT6C-related condition.
Palmoplantar keratoderma, nonepidermolytic, focal or diffuse (PPKNEFD). Also called: PALMOPLANTAR KERATODERMA, FOCAL OR DIFFUSE. Identifiers: Orphanet 402003, MedGen C3810394, MONDO:0014327, OMIM 615735.

Allele frequency attached by ClinVar (database versions not stated): gnomAD 0.26797 and 0.26256; gnomAD exomes 0.34961 and 0.32059; 1000 Genomes Project 0.24960; ExAC 0.31493; 1000 Genomes Project 30x 0.24344; TOPMed 0.26344; ESP Exome Variant Server 0.26749.

Submissions (4):

Labcorp Genetics (formerly Invitae), Labcorp
Classification: Benign. Last evaluated: 2026-02-02. Review status: criteria provided, single submitter. Criteria: Invitae Variant Classification Sherloc (09022015). Collection method: clinical testing. Allele origin: germline.

Genome-Nilou Lab
Classification: Benign for Palmoplantar keratoderma, nonepidermolytic, focal or diffuse. Last evaluated: 2021-08-19. Review status: criteria provided, single submitter. Criteria: ACMG Guidelines, 2015. Collection method: clinical testing. Allele origin: germline. Affected: no.

Breakthrough Genomics
Classification: Benign. Review status: criteria provided, single submitter. Criteria: ACMG Guidelines, 2015. Collection method: not provided. Allele origin: germline. Inheritance: Autosomal dominant inheritance. Affected: yes.

PreventionGenetics, part of Exact Sciences
Classification: Benign for KRT6C-related condition. Last evaluated: 2019-09-24. Review status: no assertion criteria provided. Collection method: clinical testing. Allele origin: germline. Not counted in ClinVar's aggregate classification.
Comment: This variant is classified as benign based on ACMG/AMP sequence variant interpretation guidelines (Richards et al. 2015 PMID: 25741868, with internal and published modifications).